The following is an entry in ClinVar:

NC_000008.11:g.11564613G>T

Gene: BLK (BLK proto-oncogene, Src family tyrosine kinase). Cytogenetic location: 8p23.1.
Variant type: single nucleotide variant.
Genome position: GRCh38 VCF-style: chr8-11564613-G-T. GRCh37 (hg19) VCF-style: chr8-11422122-G-T.
Other names: BLK, CHR8:11,459,531, G-T.
Identifiers: ClinVar variation 12323 (VCV000012323.3), dbSNP rs886037621, ClinGen allele CA10602355.
Genomic context (GRCh38, chr8:11,564,613, plus strand): 5'-GCTCCAGCACTGCGGGGCTTTTCTGCAATAAAGTCACGAGCGTTCGAGCTGTTCCGTGTC[G>T]TTACCTGTGACAAGCTGGACATCGCGTGCAGGACGAGCACGGGGCGCAGGCGTGGCGCAG-3'

ClinVar aggregate classification (germline): no classifications from unflagged records (0 of 4 stars; one submission).

Conditions:
Maturity-onset diabetes of the young type 11. Identifiers: Orphanet 552, MedGen C3150618, MONDO:0013242, OMIM 613375.

Allele frequency attached by ClinVar (database versions not stated): gnomAD 0.00001; gnomAD exomes 0.00001 and 0.00002; TOPMed 0.00001.

Submission:

OMIM
Classification: Pathogenic for MATURITY-ONSET DIABETES OF THE YOUNG, TYPE 11. Last evaluated: 2009-08-25. Review status: flagged submission. Collection method: literature only. Allele origin: germline.
ClinVar note: Notes: Flagging candidate with reason of insufficient supporting evidence. This gene has been classified as having a refuted gene-disease relationship by a ClinGen Expert Panel.
ClinVar note: Reason: P/LP classification for a variant in a gene with insufficient evidence for a gene-disease relationship

Literature cited by the submitters: PubMed 19667185.